The following is an entry in ClinVar:

NM_005401.5(PTPN14):c.1846G>A (p.Val616Met)

Gene: PTPN14 (protein tyrosine phosphatase non-receptor type 14; minus strand). Cytogenetic location: 1q32.3.
Variant type: single nucleotide variant.
Coding change: c.1846G>A on transcript NM_005401.5 (MANE Select); coding-DNA position 1846, G replaced by A.
Protein change: p.Val616Met; replaces valine 616 with methionine.
Molecular consequence: missense variant.
Genome position (GRCh38, 1-based): chr1:214,384,009, C>T on the plus strand (G>A on the coding strand, the complement: PTPN14 is on the minus strand). VCF-style: chr1-214384009-C-T. GRCh37 (hg19) VCF-style: chr1-214557352-C-T.
Other names: short protein forms V616M.
Identifiers: ClinVar variation 3427787 (VCV003427787.2).

ClinVar aggregate classification (germline): Uncertain significance. Review status: criteria provided, multiple submitters, no conflicts (2 of 4 stars). 2 submissions from 2 submitters: Uncertain significance (2). Last evaluated 2025-10-31.

Conditions:
Lymphedema-posterior choanal atresia syndrome. Identifiers: Orphanet 99141, MedGen C3150875, MONDO:0013324, OMIM 613611.

gnomAD v4.1: 32 of 1,606,240 alleles (0.002%); highest among the groups gnomAD compares: Admixed American, 0.045%; no homozygotes.

Submissions (2):

Clinical Genomics Laboratory, Washington University in St. Louis
Classification: Uncertain significance for Lymphedema-posterior choanal atresia syndrome. Last evaluated: 2025-10-31. Review status: criteria provided, single submitter. Criteria: ACMG Guidelines, 2015. Collection method: clinical testing. Allele origin: germline.
Comment: A PTPN14 c.1846G>A (p.Val616Met) variant was identified at a near-heterozygous allelic fraction of 48.0%, a frequency which may be consistent with it being of germline origin. The PTPN14 c.1846G>A (p.Val616Met) variant, to our knowledge, has not been reported in the medical literature. This variant is observed on 32/1,606,240 alleles in the general population (gnomAD v4.1.0). It has been reported in the ClinVar database as a germline variant of uncertain significance by one submitter (ClinVar ID: 3427787). Computational predictors are uncertain as to the impact of this variant on PTPN14 function. Due to limited information, and based on ACMG/AMP guidelines for variant interpretation (Richards S et al., PMID: 25741868), the clinical significance of this variant is uncertain at this time.

Ambry Genetics
Classification: Uncertain significance. Last evaluated: 2024-08-05. Review status: criteria provided, single submitter. Criteria: Ambry Variant Classification Scheme 2023. Collection method: clinical testing. Allele origin: germline.